The following is an entry in ClinVar:

ClinVar aggregate classification (germline): Uncertain significance. Review status: criteria provided, multiple submitters, no conflicts (2 of 4 stars). 3 submissions from 3 submitters: Uncertain significance (3). Last evaluated 2026-08-12.

Conditions:
Developmental and epileptic encephalopathy. Identifiers: MedGen C5779964, MONDO:0100620.
Inborn genetic diseases. Identifiers: MedGen C0950123, MeSH D030342.

Allele frequency attached by ClinVar (database versions not stated): gnomAD exomes below 0.00001; TOPMed 0.00005; gnomAD 0.00007 and 0.00008; ESP Exome Variant Server 0.00015; ExAC below 0.00001.
gnomAD v4.1: 17 of 1,598,958 alleles (0.0011%); highest among the groups gnomAD compares: African/African-American, 0.021%; no homozygotes.

Submissions (3):

GeneDx
Classification: Uncertain significance. Last evaluated: 2026-08-12. Review status: criteria provided, single submitter. Criteria: GeneDx Variant Classification Process June 2021. Collection method: clinical testing. Allele origin: germline.
Comment: Not observed at significant frequency in large population cohorts (gnomAD); Has not been previously published as pathogenic or benign to our knowledge; In silico analysis suggests this variant may impact gene splicing. In the absence of RNA/functional studies, the actual effect of this sequence change is unknown.

Labcorp Genetics (formerly Invitae), Labcorp
Classification: Uncertain significance for Early-infantile DEE. Last evaluated: 2024-11-05. Review status: criteria provided, single submitter. Criteria: Invitae Variant Classification Sherloc (09022015). Collection method: clinical testing. Allele origin: germline.
Comment: This sequence change falls in intron 3 of the SLC25A22 gene. It does not directly change the encoded amino acid sequence of the SLC25A22 protein. It affects a nucleotide within the consensus splice site. The frequency data for this variant in the population databases is considered unreliable, as metrics indicate poor data quality at this position in the gnomAD database. This variant has not been reported in the literature in individuals affected with SLC25A22-related conditions. ClinVar contains an entry for this variant (Variation ID: 847879). Variants that disrupt the consensus splice site are a relatively common cause of aberrant splicing (PMID: 17576681, 9536098). Algorithms developed to predict the effect of sequence changes on RNA splicing suggest that this variant is not likely to affect RNA splicing. In summary, the available evidence is currently insufficient to determine the role of this variant in disease. Therefore, it has been classified as a Variant of Uncertain Significance.

Ambry Genetics
Classification: Uncertain significance for Inborn genetic diseases. Last evaluated: 2022-08-17. Review status: criteria provided, single submitter. Criteria: Ambry Variant Classification Scheme 2023. Collection method: clinical testing. Allele origin: germline.
Comment: The c.146+6T>C intronic alteration consists of a T to C substitution 6 nucleotides after exon 3 (coding exon 2) of the SLC25A22 gene. Based on insufficient or conflicting evidence, the clinical significance of this alteration remains unclear.

Literature cited by the submitters: PubMed 17576681 (cited by Labcorp Genetics (formerly Invitae), Labcorp); PubMed 9536098 (cited by Labcorp Genetics (formerly Invitae), Labcorp).

NM_001191061.2(SLC25A22):c.146+6T>C

Gene: SLC25A22 (solute carrier family 25 member 22; minus strand). Cytogenetic location: 11p15.5.
Variant type: single nucleotide variant.
Coding change: c.146+6T>C on transcript NM_001191061.2 (MANE Select); 6 bases into the intron after coding-DNA position 146, T replaced by C.
Molecular consequence: intron variant.
Genome position (GRCh38, 1-based): chr11:794,770, A>G on the plus strand (T>C on the coding strand, the complement: SLC25A22 is on the minus strand). VCF-style: chr11-794770-A-G. GRCh37 (hg19) VCF-style: chr11-794770-A-G.
Other names: c.146+6T>C (NM_001191060.2, NM_024698.6).
Identifiers: ClinVar variation 847879 (VCV000847879.11), dbSNP rs369906148, ClinGen allele CA5789392.